The following is an entry in ClinVar:

NM_001077350.3(NPRL3):c.217T>G (p.Leu73Val)

Genes: HBA-LCR (alpha-globin locus control region; plus strand), NPRL3 (NPR3 like, GATOR1 complex subunit; minus strand). Cytogenetic location: 16p13.3.
Variant type: single nucleotide variant.
Coding change: c.217T>G on transcript NM_001077350.3 (MANE Select); coding-DNA position 217, T replaced by G.
Protein change: p.Leu73Val; replaces leucine 73 with valine.
Molecular consequence: missense variant. On other transcripts: 5 prime UTR variant (1), intron variant (1).
Genome position (GRCh38, 1-based): chr16:119,227, A>C on the plus strand (T>G on the coding strand, the complement: NPRL3 is on the minus strand). VCF-style: chr16-119227-A-C. GRCh37 (hg19) VCF-style: chr16-169226-A-C.
Other names: c.-18T>G (NM_001243247.2); c.217T>G, p.Leu73Val (NM_001243248.2, NM_001243249.2); c.-144-6452T>G (NM_001039476.3); short protein forms L73V.
Identifiers: ClinVar variation 1017044 (VCV001017044.8), dbSNP rs1900182866, ClinGen allele CA393995576.

ClinVar aggregate classification (germline): Uncertain significance (1 of 4 stars; one submission).

Conditions:
Epilepsy, familial focal, with variable foci 3 (FFEVF3). Identifiers: MedGen C4310708, MONDO:0014925, OMIM 617118.

Allele frequency attached by ClinVar (database versions not stated): TOPMed below 0.00001; gnomAD 0.00001.
gnomAD v4.1: 1 of 1,610,492 alleles (0.000062%); no homozygotes.

Submission:

Labcorp Genetics (formerly Invitae), Labcorp
Classification: Uncertain significance for Epilepsy, familial focal, with variable foci 3. Last evaluated: 2025-05-14. Review status: criteria provided, single submitter. Criteria: Invitae Variant Classification Sherloc (09022015). Collection method: clinical testing. Allele origin: germline.
Comment: This sequence change replaces leucine, which is neutral and non-polar, with valine, which is neutral and non-polar, at codon 73 of the NPRL3 protein (p.Leu73Val). This variant is not present in population databases (gnomAD no frequency). This variant has not been reported in the literature in individuals affected with NPRL3-related conditions. ClinVar contains an entry for this variant (Variation ID: 1017044). Invitae Evidence Modeling of protein sequence and biophysical properties (such as structural, functional, and spatial information, amino acid conservation, physicochemical variation, residue mobility, and thermodynamic stability) indicates that this missense variant is not expected to disrupt NPRL3 protein function with a negative predictive value of 80%. In summary, the available evidence is currently insufficient to determine the role of this variant in disease. Therefore, it has been classified as a Variant of Uncertain Significance.